The following is an entry in ClinVar:

ClinVar aggregate classification (germline): Likely benign. Review status: criteria provided, multiple submitters, no conflicts (2 of 4 stars). 2 submissions from 2 submitters: Likely benign (2). Last evaluated 2025-04-08.

Conditions:
Developmental and epileptic encephalopathy, 12 (DEE12). Identifiers: MedGen C3150988, MONDO:0013389, OMIM 613722.

Allele frequency attached by ClinVar (database versions not stated): gnomAD exomes 0.00001 and 0.00003; ExAC 0.00005.
gnomAD v4.1: 22 of 1,600,326 alleles (0.0014%); highest among the groups gnomAD compares: Middle Eastern, 0.017%; no homozygotes.

Submissions (2):

Mayo Clinic Laboratories, Mayo Clinic
Classification: Likely benign. Last evaluated: 2025-04-08. Review status: criteria provided, single submitter. Criteria: ACMG Guidelines, 2015. Collection method: clinical testing. Allele origin: germline. Observed: 1 variant allele.
Comment: BP4, BP7

Labcorp Genetics (formerly Invitae), Labcorp
Classification: Likely benign for Developmental and epileptic encephalopathy, 12. Last evaluated: 2025-02-09. Review status: criteria provided, single submitter. Criteria: Invitae Variant Classification Sherloc (09022015). Collection method: clinical testing. Allele origin: germline.

NM_015192.4(PLCB1):c.1336-5A>G

Gene: PLCB1 (phospholipase C beta 1; plus strand). Cytogenetic location: 20p12.3.
Variant type: single nucleotide variant.
Coding change: c.1336-5A>G on transcript NM_015192.4 (MANE Select); 5 bases into the intron before coding-DNA position 1336, A replaced by G.
Molecular consequence: intron variant.
Genome position (GRCh38, 1-based): chr20:8,717,666, A>G. VCF-style: chr20-8717666-A-G. GRCh37 (hg19) VCF-style: chr20-8698313-A-G.
Other names: p.?; c.1336-5A>G (NM_182734.3).
Identifiers: ClinVar variation 1121803 (VCV001121803.10), dbSNP rs752723995, ClinGen allele CA9759938.
Genomic context (GRCh38, chr20:8,717,666, plus strand): 5'-GTCTGGGGAGGGGATCTGAAAGAGGGAGCAGTATTTTTAAAGAATATGCCTTTCATTTCT[A>G]TTAGCTGGAATCTGGAGTTCCTCTTCCAAGCCCTATGGATTTAATGTATAAAATTTTGGT-3'